The following is an entry in ClinVar:

ClinVar aggregate classification (germline): Benign. Review status: criteria provided, multiple submitters, no conflicts (2 of 4 stars). 6 submissions from 6 submitters: Benign (6). Last evaluated 2026-02-01.

Conditions:
Retinal dystrophy. Also called: Inherited retinal dystrophy. Identifiers: Orphanet 71862, MedGen C0854723, MeSH D058499, MONDO:0019118, HP:0000556.
Retinitis pigmentosa (RP). Identifiers: Orphanet 791, MedGen C0035334, MeSH D012174, MONDO:0019200, OMIM 268000. Inheritance: Autosomal dominant, autosomal recessive and X linked inheritance.
Retinitis pigmentosa 11 (RP11). Identifiers: Orphanet 791, MedGen C1838601, MONDO:0010828, OMIM 600138.

Allele frequency attached by ClinVar (database versions not stated): gnomAD exomes 0.00170 and 0.00399; ExAC 0.00800; gnomAD 0.01385 and 0.01460; TOPMed 0.01496; 1000 Genomes Project 0.01518; 1000 Genomes Project 30x 0.01546; ESP Exome Variant Server 0.01699.
gnomAD v4.1: 4,668 of 1,581,680 alleles (0.3%); highest among the groups gnomAD compares: African/African-American, 4.8%; 107 homozygotes.

Submissions (6):

Labcorp Genetics (formerly Invitae), Labcorp
Classification: Benign. Last evaluated: 2026-02-01. Review status: criteria provided, single submitter. Criteria: Invitae Variant Classification Sherloc (09022015). Collection method: clinical testing. Allele origin: germline.

Blueprint Genetics
Classification: Benign. Last evaluated: 2024-11-21. Review status: criteria provided, single submitter. Criteria: ACMG Guidelines, 2015. Collection method: clinical testing. Allele origin: germline.

Dept Of Ophthalmology, Nagoya University
Classification: Benign for Retinal dystrophy. Last evaluated: 2023-10-01. Review status: criteria provided, single submitter. Criteria: Submitter's publication. Collection method: research. Allele origin: germline. Affected: yes.

Fulgent Genetics
Classification: Benign for Retinitis pigmentosa 11. Last evaluated: 2022-05-13. Review status: criteria provided, single submitter. Criteria: ACMG Guidelines, 2015. Collection method: clinical testing. Allele origin: unknown.

Illumina Laboratory Services, Illumina
Classification: Benign for Retinitis pigmentosa. Last evaluated: 2018-01-12. Review status: criteria provided, single submitter. Criteria: ICSL Variant Classification Criteria 13 December 2019. Collection method: clinical testing. Allele origin: germline.
Comment: This variant was observed in the ICSL laboratory as part of a predisposition screen in an ostensibly healthy population. It had not been previously curated by ICSL or reported in the Human Gene Mutation Database (HGMD: prior to June 1st, 2018), and was therefore a candidate for classification through an automated scoring system. Utilizing variant allele frequency, disease prevalence and penetrance estimates, and inheritance mode, an automated score was calculated to assess if this variant is too frequent to cause the disease. Based on the score and internal cut-off values, a variant classified as benign is not then subjected to further curation. The score for this variant resulted in a classification of benign for this disease.

Breakthrough Genomics
Classification: Benign. Review status: criteria provided, single submitter. Criteria: ACMG Guidelines, 2015. Collection method: not provided. Allele origin: germline. Inheritance: Autosomal dominant inheritance. Affected: yes.

NM_015629.4(PRPF31):c.1230A>G (p.Thr410=)

Gene: PRPF31 (pre-mRNA processing factor 31; plus strand). Cytogenetic location: 19q13.42.
Variant type: single nucleotide variant.
Coding change: c.1230A>G on transcript NM_015629.4 (MANE Select); coding-DNA position 1230, A replaced by G.
Protein change: p.Thr410=; no amino-acid change (threonine 410 retained).
Molecular consequence: synonymous variant.
Genome position (GRCh38, 1-based): chr19:54,129,140, A>G. VCF-style: chr19-54129140-A-G. GRCh37 (hg19) VCF-style: chr19-54632515-A-G.
Identifiers: ClinVar variation 330107 (VCV000330107.17), dbSNP rs34154455, ClinGen allele CA309330564.
Genomic context (GRCh38, chr19:54,129,140, plus strand): 5'-GGACCTGGGATTCAGCCTGGGCCACCTGGGCAAGTCGGGCAGTGGGCGTGTGCGGCAGAC[A>G]CAGGTAAACGAGGCCACCAAGGCCAGGATCTCCAAGACGCTGCAGGTATGGGCCAGACCC-3'
Protein context (NP_056444.3, residues 400-420): GKSGSGRVRQ[Thr410=]QVNEATKARI